The following is an entry in ClinVar:

NM_018557.3(LRP1B):c.4104A>G (p.Leu1368=)

Gene: LRP1B (LDL receptor related protein 1B; minus strand). Cytogenetic location: 2q22.1.
Variant type: single nucleotide variant.
Coding change: c.4104A>G on transcript NM_018557.3 (MANE Select); coding-DNA position 4104, A replaced by G.
Protein change: p.Leu1368=; no amino-acid change (leucine 1368 retained).
Molecular consequence: synonymous variant.
Genome position (GRCh38, 1-based): chr2:140,883,882, T>C on the plus strand (A>G on the coding strand, the complement: LRP1B is on the minus strand). VCF-style: chr2-140883882-T-C. GRCh37 (hg19) VCF-style: chr2-141641451-T-C.
Identifiers: ClinVar variation 3041979 (VCV003041979.2), dbSNP rs142437710, ClinGen allele CA1895272.

ClinVar aggregate classification (germline): Likely benign (0 of 4 stars; one submission).

Conditions:
LRP1B-related disorder. Also called: LRP1B-related condition.

Allele frequency attached by ClinVar (database versions not stated): 1000 Genomes Project 30x 0.00047; 1000 Genomes Project 0.00060; ESP Exome Variant Server 0.00108; gnomAD exomes 0.00112; gnomAD 0.00116; TOPMed 0.00120; ExAC 0.00149.
gnomAD v4.1: 1,837 of 1,613,706 alleles (0.11%); highest among the groups gnomAD compares: Middle Eastern, 0.83%; 3 homozygotes.

Submission:

PreventionGenetics, part of Exact Sciences
Classification: Likely benign for LRP1B-related condition. Last evaluated: 2019-05-24. Review status: no assertion criteria provided. Collection method: clinical testing. Allele origin: germline.
Comment: This variant is classified as likely benign based on ACMG/AMP sequence variant interpretation guidelines (Richards et al. 2015 PMID: 25741868, with internal and published modifications).